The following is an entry in ClinVar:

NM_153676.4(USH1C):c.579+1G>C

Gene: USH1C (USH1 protein network component harmonin; minus strand). Cytogenetic location: 11p15.1.
Variant type: single nucleotide variant.
Coding change: c.579+1G>C on transcript NM_153676.4 (MANE Select); the canonical splice donor site of the intron after coding-DNA position 579, G replaced by C.
Molecular consequence: splice donor variant.
Genome position (GRCh38, 1-based): chr11:17,526,752, C>G on the plus strand (G>C on the coding strand, the complement: USH1C is on the minus strand). VCF-style: chr11-17526752-C-G. GRCh37 (hg19) VCF-style: chr11-17548299-C-G.
Other names: c.579+1G>C (NM_001297764.2, NM_005709.4).
Identifiers: ClinVar variation 551520 (VCV000551520.17), dbSNP rs1283092935, ClinGen allele CA379794066.

ClinVar aggregate classification (germline): Pathogenic/Likely pathogenic. Review status: criteria provided, multiple submitters, no conflicts (2 of 4 stars). 6 submissions from 6 submitters: Pathogenic (4); Likely pathogenic (1). 1 of the submissions does not count toward it. Last evaluated 2025-07-07.

Conditions:
Autosomal recessive nonsyndromic hearing loss 18A. Also called: Deafness, autosomal recessive 18A; DEAFNESS, AUTOSOMAL RECESSIVE 18. Identifiers: Orphanet 90636, MedGen C1865870, MONDO:0011192, OMIM 602092.
Usher syndrome type 1C. Also called: USHER SYNDROME, TYPE I, ACADIAN VARIETY. Identifiers: Orphanet 231169, Orphanet 886, MedGen C1848604, MONDO:0010171, OMIM 276904.

Submissions (6):

Myriad Genetics, Inc.
Classification: Likely pathogenic for Usher syndrome type 1C. Last evaluated: 2025-07-07. Review status: criteria provided, single submitter. Criteria: Myriad Autosomal Dominant, Autosomal Recessive and X-Linked Classification Criteria (2023). Collection method: clinical testing. Allele origin: unknown.
Comment: NM_005709.3(USH1C):c.579+1G>C is a variant in a canonical splice site classified as likely pathogenic in the context of USH1C-related disorders. c.579+1G>C has been observed in a case with relevant disease (PMID: 29625443). Relevant functional assessments of this variant are not available in the literature. c.579+1G>C has not been observed in referenced population frequency databases. In summary, NM_005709.3(USH1C):c.579+1G>C is a variant in a canonical splice site in a gene where loss of function is a known mechanism of disease, is predicted to disrupt protein function, and has been observed more frequently in cases with the relevant disease than in healthy populations. Please note: this variant was assessed in the context of healthy population screening.

Fulgent Genetics
Classification: Pathogenic for Usher syndrome type 1C; Autosomal recessive nonsyndromic hearing loss 18A. Last evaluated: 2024-04-24. Review status: criteria provided, single submitter. Criteria: ACMG Guidelines, 2015. Collection method: clinical testing. Allele origin: germline.

Baylor Genetics
Classification: Pathogenic for Autosomal recessive nonsyndromic hearing loss 18A. Last evaluated: 2023-12-19. Review status: criteria provided, single submitter. Criteria: ACMG Guidelines, 2015. Collection method: clinical testing. Allele origin: unknown.

GeneDx
Classification: Pathogenic. Last evaluated: 2023-12-14. Review status: criteria provided, single submitter. Criteria: GeneDx Variant Classification Process June 2021. Collection method: clinical testing. Allele origin: germline. Affected: yes.
Comment: Canonical splice site variant predicted to result in a null allele in a gene for which loss of function is a known mechanism of disease; Not observed at significant frequency in large population cohorts (gnomAD); This variant is associated with the following publications: (PMID: 29625443)

Labcorp Genetics (formerly Invitae), Labcorp
Classification: Pathogenic. Last evaluated: 2022-02-04. Review status: criteria provided, single submitter. Criteria: Invitae Variant Classification Sherloc (09022015). Collection method: clinical testing. Allele origin: germline.
Comment: This variant is not present in population databases (gnomAD no frequency). This sequence change affects a donor splice site in intron 7 of the USH1C gene. It is expected to disrupt RNA splicing. Variants that disrupt the donor or acceptor splice site typically lead to a loss of protein function (PMID: 16199547), and loss-of-function variants in USH1C are known to be pathogenic (PMID: 10973247, 17407589, 20301442, 21203349). Disruption of this splice site has been observed in individual(s) with Usher syndrome (PMID: 29625443). In at least one individual the data is consistent with being in trans (on the opposite chromosome) from a pathogenic variant. For these reasons, this variant has been classified as Pathogenic. Algorithms developed to predict the effect of sequence changes on RNA splicing suggest that this variant may disrupt the consensus splice site. ClinVar contains an entry for this variant (Variation ID: 551520).

Counsyl
Classification: Likely pathogenic for Usher syndrome type 1C; Autosomal recessive nonsyndromic hearing loss 18A. Last evaluated: 2017-04-14. Review status: no assertion criteria provided. Collection method: clinical testing. Allele origin: unknown. Not counted in ClinVar's aggregate classification.

Literature cited by the submitters: PubMed 29625443 (cited by Myriad Genetics, Inc. and Labcorp Genetics (formerly Invitae), Labcorp); PubMed 16199547 (cited by Labcorp Genetics (formerly Invitae), Labcorp); PubMed 10973247 (cited by Labcorp Genetics (formerly Invitae), Labcorp); PubMed 17407589 (cited by Labcorp Genetics (formerly Invitae), Labcorp); PubMed 20301442 (cited by Labcorp Genetics (formerly Invitae), Labcorp); PubMed 21203349 (cited by Labcorp Genetics (formerly Invitae), Labcorp).